The following is an entry in ClinVar:

NM_006767.4(LZTR1):c.649G>T (p.Glu217Ter)

Gene: LZTR1 (leucine zipper like post translational regulator 1; plus strand). Cytogenetic location: 22q11.21.
Variant type: single nucleotide variant.
Coding change: c.649G>T on transcript NM_006767.4 (MANE Select); coding-DNA position 649, G replaced by T.
Protein change: p.Glu217Ter; replaces glutamic acid 217 with a stop codon.
Molecular consequence: nonsense.
Genome position (GRCh38, 1-based): chr22:20,989,680, G>T. VCF-style: chr22-20989680-G-T. GRCh37 (hg19) VCF-style: chr22-21343969-G-T.
Other names: short protein forms E217*.
Identifiers: ClinVar variation 561953 (VCV000561953.5), dbSNP rs1302923931, ClinGen allele CA410780389.

ClinVar aggregate classification (germline): Pathogenic/Likely pathogenic. Review status: criteria provided, multiple submitters, no conflicts (2 of 4 stars). 3 submissions from 3 submitters: Pathogenic (1); Likely pathogenic (2). Last evaluated 2024-04-22.

Conditions:
Noonan syndrome 2 (NS2). Identifiers: Orphanet 648, MedGen C1854469, MONDO:0011531, OMIM 605275.
Noonan syndrome 10 (NS10). Identifiers: Orphanet 648, MedGen C4225280, MONDO:0014693, OMIM 616564.
LZTR1-related schwannomatosis. Also called: Schwannomatosis 2; Schwannomatosis-2, susceptibility to. Identifiers: Orphanet 93921, MedGen C3810283, MONDO:0014299, OMIM 615670.
Cardiovascular phenotype. Identifiers: MedGen CN230736.
Hereditary cancer-predisposing syndrome. Also called: Hereditary neoplastic syndrome; Neoplastic Syndromes, Hereditary; Tumor predisposition; Hereditary Cancer Syndrome. Identifiers: Orphanet 140162, MedGen C0027672, MeSH D009386, MONDO:0015356.

Submissions (3):

Fulgent Genetics
Classification: Likely pathogenic for Noonan syndrome 2; LZTR1-related schwannomatosis; Noonan syndrome 10. Last evaluated: 2024-04-22. Review status: criteria provided, single submitter. Criteria: ACMG Guidelines, 2015. Collection method: clinical testing. Allele origin: germline.

Ambry Genetics
Classification: Pathogenic for Cardiovascular phenotype; Hereditary cancer-predisposing syndrome. Last evaluated: 2022-10-14. Review status: criteria provided, single submitter. Criteria: Ambry Variant Classification Scheme 2023. Collection method: clinical testing. Allele origin: germline.
Comment: The p.E217* variant (also known as c.649G>T), located in coding exon 7 of the LZTR1 gene, results from a G to T substitution at nucleotide position 649. This changes the amino acid from a glutamic acid to a stop codon within coding exon 7. This alteration is expected to result in loss of function by premature protein truncation or nonsense-mediated mRNA decay. Loss-of-function variants in LZTR1 are related to an increased risk for schwannomas and autosomal recessive Noonan syndrome; however, such associations with autosomal dominant Noonan syndrome have not been observed (Piotrowski A et al. Nat Genet. 2014 Feb;46:182-7; Yamamoto GL et al. J Med Genet. 2015 Jun;52:413-21; Johnston JJ et al. Genet Med. 2018 10;20:1175-1185). Based on the supporting evidence, this variant is pathogenic for an increased risk of LZTR1-related schwannomatosis (SWN) and would be expected to cause autosomal recessive Noonan syndrome when present along with a second pathogenic or likely pathogenic variant on the other allele; however, the association of this alteration with autosomal dominant Noonan syndrome is unlikely.

GeneDx
Classification: Likely pathogenic. Last evaluated: 2019-10-24. Review status: criteria provided, single submitter. Criteria: GeneDx Variant Classification Process June 2021. Collection method: clinical testing. Allele origin: germline. Affected: yes.
Comment: Nonsense variant predicted to result in protein truncation or nonsense mediated decay in a gene for which loss-of-function is a known mechanism of disease; Has not been previously published as pathogenic or benign to our knowledge; No data available from control populations to assess the frequency of this variant